The following is an entry in ClinVar:

ClinVar aggregate classification (germline): Uncertain significance (1 of 4 stars; one submission).

Conditions:
Combined immunodeficiency due to ORAI1 deficiency. Also called: IMMUNODEFICIENCY 9. Identifiers: Orphanet 169090, Orphanet 317428, MedGen C2748568, MONDO:0013007, OMIM 612782.
Myopathy, tubular aggregate, 2 (TAM2). Identifiers: MedGen C4014557, MONDO:0014383, OMIM 615883.

Submission:

Labcorp Genetics (formerly Invitae), Labcorp
Classification: Uncertain significance for Myopathy, tubular aggregate, 2; Combined immunodeficiency due to ORAI1 deficiency. Last evaluated: 2022-05-21. Review status: criteria provided, single submitter. Criteria: Invitae Variant Classification Sherloc (09022015). Collection method: clinical testing. Allele origin: germline.
Comment: In summary, the available evidence is currently insufficient to determine the role of this variant in disease. Therefore, it has been classified as a Variant of Uncertain Significance. Experimental studies and prediction algorithms are not available or were not evaluated, and the functional significance of this variant is currently unknown. This variant has not been reported in the literature in individuals affected with ORAI1-related conditions. This variant is present in population databases (no rsID available, gnomAD 0.01%). This sequence change replaces serine, which is neutral and polar, with arginine, which is basic and polar, at codon 13 of the ORAI1 protein (p.Ser13Arg).

NC_000012.12:g.121626779A>C

Genes: ORAI1 (ORAI calcium release-activated calcium modulator 1; plus strand), LOC130008987 (ATAC-STARR-seq lymphoblastoid silent region 4981; plus strand). Cytogenetic location: 12q24.31.
Variant type: single nucleotide variant.
Genome position: GRCh38 VCF-style: chr12-121626779-A-C. GRCh37 (hg19) VCF-style: chr12-122064684-A-C.
Other names: c.37A>C, p.Ser13Arg (NM_032790.4); short protein forms S13R.
Identifiers: ClinVar variation 1940671 (VCV001940671.5), dbSNP rs1290572755, ClinGen allele CA386980315.
Genomic context (GRCh38, chr12:121,626,779, plus strand): 5'-GCCCGCGCCTCGGCGGCGTGCTCCATGCATCCGGAGCCCGCCCCGCCCCCGAGCCGCAGC[A>C]GTCCCGAGCTTCCCCCAAGCGGCGGCAGCACCACCAGCGGCAGCCGCCGGAGCCGCCGCC-3'